The following is an entry in ClinVar:

ClinVar aggregate classification (germline): Uncertain significance (1 of 4 stars; one submission).

Conditions:
Autosomal dominant distal renal tubular acidosis (DRTA1). Also called: RENAL TUBULAR ACIDOSIS, DISTAL, 1; RTA, CLASSIC TYPE; RTA, DISTAL TYPE, AUTOSOMAL DOMINANT; RTA, GRADIENT TYPE; Renal Tubular Acidosis, Type I. Identifiers: Orphanet 93608, MedGen CN280572, MONDO:0008368, OMIM 179800.
Renal tubular acidosis, distal, 4, with hemolytic anemia. Also called: Renal Tubular Acidosis, Distal, with Hemolytic Anemia. Identifiers: Orphanet 93610, MedGen C5436235, MONDO:0012700, OMIM 611590.
BLOOD GROUP--SWANN SYSTEM (SW). Also called: SWANN BLOOD GROUP. Identifiers: MedGen C1832169, OMIM 601550.
BLOOD GROUP, WALDNER (WD). Also called: WALDNER BLOOD GROUP ANTIGEN. Identifiers: MedGen C1862191, OMIM 112010.
BLOOD GROUP--FROESE (FR). Also called: FROESE BLOOD GROUP ANTIGEN. Identifiers: MedGen C1832168, OMIM 601551.
BLOOD GROUP--WRIGHT ANTIGEN (WR). Identifiers: MedGen C1862190, OMIM 112050.
BLOOD GROUP--DIEGO SYSTEM (DI). Identifiers: MedGen C1292286, OMIM 110500.
Cryohydrocytosis. Also called: STOMATOCYTOSIS, COLD-SENSITIVE; Hereditary cryohydrocytosis with normal stomatin; CRYOHYDROCYTOSIS DUE TO BAND 3 HEMEL; CRYOHYDROCYTOSIS DUE TO BAND 3 HURSTPIERPOINT; CRYOHYDROCYTOSIS DUE TO BAND 3 BLACKBURN. Identifiers: Orphanet 398088, MedGen C1861453, MONDO:0008494, OMIM 185020.
Southeast Asian ovalocytosis. Also called: Stomatocytic elliptocytosis, hereditary; Ovalocytosis, Malaysian-Melanesian-Filipino type; Elliptocytosis 4; HE, STOMATOCYTIC. Identifiers: Orphanet 98868, MedGen C1862322, MONDO:0008165, OMIM 166900.
Malaria, susceptibility to. Identifiers: Orphanet 673, MedGen C1970028, MONDO:0021024, OMIM 611162.
Hereditary spherocytosis type 4. Also called: SLC4A1-Related Spherocytosis. Identifiers: Orphanet 822, MedGen C2675212, MONDO:0012981, OMIM 612653.

Submission:

Juno Genomics, Hangzhou Juno Genomics, Inc
Classification: Uncertain significance for Hereditary spherocytosis type 4; BLOOD GROUP--DIEGO SYSTEM; BLOOD GROUP--FROESE; BLOOD GROUP--SWANN SYSTEM; BLOOD GROUP, WALDNER; BLOOD GROUP--WRIGHT ANTIGEN; Malaria, susceptibility to; Cryohydrocytosis; Autosomal dominant distal renal tubular acidosis; Renal tubular acidosis, distal, 4, with hemolytic anemia; Southeast Asian ovalocytosis. Review status: criteria provided, single submitter. Criteria: ACMG Guidelines, 2015. Collection method: clinical testing. Allele origin: germline.
Comment: Absent from controls (or at extremely low frequency if recessive) in Genome Aggregation Database.;Multiple lines of computational evidence support a deleterious effect on the gene or gene product.

NM_000342.4(SLC4A1):c.1223C>A (p.Ala408Asp)

Gene: SLC4A1 (solute carrier family 4 member 1 (Diego blood group); minus strand). Cytogenetic location: 17q21.31.
Variant type: single nucleotide variant.
Coding change: c.1223C>A on transcript NM_000342.4 (MANE Select); coding-DNA position 1223, C replaced by A.
Protein change: p.Ala408Asp; replaces alanine 408 with aspartic acid.
Molecular consequence: missense variant.
Genome position (GRCh38, 1-based): chr17:44,258,045, G>T on the plus strand (C>A on the coding strand, the complement: SLC4A1 is on the minus strand). VCF-style: chr17-44258045-G-T. GRCh37 (hg19) VCF-style: chr17-42335413-G-T.
Other names: short protein forms A408D.
Identifiers: ClinVar variation 5019413 (VCV005019413.2).